The following is an entry in ClinVar:

ClinVar aggregate classification (germline): Likely pathogenic (1 of 4 stars; one submission).

Conditions:
Arginase deficiency. Also called: Arginase 1 Deficiency; ARGININEMIA; ARG1 DEFICIENCY. Identifiers: Orphanet 90, MedGen C0268548, MONDO:0008814, OMIM 207800.

Submission:

Labcorp Genetics (formerly Invitae), Labcorp
Classification: Likely pathogenic for Arginase deficiency. Last evaluated: 2024-03-21. Review status: criteria provided, single submitter. Criteria: Invitae Variant Classification Sherloc (09022015). Collection method: clinical testing. Allele origin: germline.
Comment: This sequence change affects an acceptor splice site in intron 3 of the ARG1 gene. It is expected to disrupt RNA splicing. Variants that disrupt the donor or acceptor splice site typically lead to a loss of protein function (PMID: 16199547), and loss-of-function variants in ARG1 are known to be pathogenic (PMID: 7649538, 12052859). This variant is not present in population databases (gnomAD no frequency). This variant has not been reported in the literature in individuals affected with ARG1-related conditions. Algorithms developed to predict the effect of sequence changes on RNA splicing suggest that this variant may disrupt the consensus splice site. In summary, the currently available evidence indicates that the variant is pathogenic, but additional data are needed to prove that conclusively. Therefore, this variant has been classified as Likely Pathogenic.

Literature cited by the submitters: PubMed 16199547; PubMed 7649538; PubMed 12052859.

NM_000045.4(ARG1):c.306-1G>A

Genes: ARG1 (arginase 1; plus strand), MED23 (mediator complex subunit 23; minus strand). Cytogenetic location: 6q23.2.
Variant type: single nucleotide variant.
Coding change: c.306-1G>A on transcript NM_000045.4 (MANE Select); the canonical splice acceptor site of the intron before coding-DNA position 306, G replaced by A.
Molecular consequence: splice acceptor variant. On other transcripts: intron variant (3).
Genome position (GRCh38, 1-based): chr6:131,581,218, G>A. VCF-style: chr6-131581218-G-A. GRCh37 (hg19) VCF-style: chr6-131902358-G-A.
Other names: c.330-1G>A (NM_001244438.2); c.306-1842G>A (NM_001369020.1); c.4077+6491C>T (NM_001270521.2); c.4095+6491C>T (NM_015979.4).
Identifiers: ClinVar variation 3632882 (VCV003632882.2).